The following is an entry in ClinVar:

NM_000264.5(PTCH1):c.2122A>C (p.Thr708Pro)

Genes: PTCH1 (patched 1; minus strand), LOC100507346 (uncharacterized LOC100507346; plus strand). Cytogenetic location: 9q22.32.
Variant type: single nucleotide variant.
Coding change: c.2122A>C on transcript NM_000264.5 (MANE Select); coding-DNA position 2122, A replaced by C.
Protein change: p.Thr708Pro; replaces threonine 708 with proline.
Molecular consequence: missense variant. On other transcripts: non-coding transcript variant (2).
Genome position (GRCh38, 1-based): chr9:95,468,879, T>G on the plus strand (A>C on the coding strand, the complement: PTCH1 is on the minus strand). VCF-style: chr9-95468879-T-G. GRCh37 (hg19) VCF-style: chr9-98231161-T-G.
Other names: c.1924A>C, p.Thr642Pro (NM_001083602.3); c.2119A>C, p.Thr707Pro (NM_001083603.3); c.1669A>C, p.Thr557Pro (NM_001083604.3, NM_001083605.3, NM_001083606.3 and 1 more transcripts); c.1966A>C, p.Thr656Pro (NM_001354918.2); short protein forms T707P, T708P, T557P, T642P, T656P.
Identifiers: ClinVar variation 2694691 (VCV002694691.3), dbSNP rs2538145491, ClinGen allele CA374115609.

ClinVar aggregate classification (germline): Uncertain significance (1 of 4 stars; one submission).

Conditions:
Gorlin syndrome. Also called: Nevoid Basal Cell Carcinoma Syndrome; Basal cell nevus syndrome. Identifiers: Orphanet 377, MedGen C0004779, MONDO:0007187.

Submission:

Labcorp Genetics (formerly Invitae), Labcorp
Classification: Uncertain significance for Gorlin syndrome. Last evaluated: 2023-11-10. Review status: criteria provided, single submitter. Criteria: Invitae Variant Classification Sherloc (09022015). Collection method: clinical testing. Allele origin: germline.
Comment: This sequence change replaces threonine, which is neutral and polar, with proline, which is neutral and non-polar, at codon 708 of the PTCH1 protein (p.Thr708Pro). This variant is not present in population databases (gnomAD no frequency). This variant has not been reported in the literature in individuals affected with PTCH1-related conditions. Advanced modeling of protein sequence and biophysical properties (such as structural, functional, and spatial information, amino acid conservation, physicochemical variation, residue mobility, and thermodynamic stability) performed at Invitae indicates that this missense variant is not expected to disrupt PTCH1 protein function with a negative predictive value of 95%. In summary, the available evidence is currently insufficient to determine the role of this variant in disease. Therefore, it has been classified as a Variant of Uncertain Significance.